The following is an entry in ClinVar:

ClinVar aggregate classification (germline): Uncertain significance. Review status: criteria provided, multiple submitters, no conflicts (2 of 4 stars). 2 submissions from 2 submitters: Uncertain significance (2). Last evaluated 2025-08-30.

Conditions:
Hypotonia, infantile, with psychomotor retardation and characteristic facies 2 (IHPRF2). Also called: UNC80 Deficiency. Identifiers: Orphanet 371364, Orphanet 700333, MedGen C4225203, MONDO:0014777, OMIM 616801.
Inborn genetic diseases. Identifiers: MedGen C0950123, MeSH D030342.

gnomAD v4.1: 1 of 1,551,984 alleles (0.000064%); highest among the groups gnomAD compares: Non-Finnish European, 0.000087%; no homozygotes.

Submissions (2):

Ambry Genetics
Classification: Uncertain significance for Inborn genetic diseases. Last evaluated: 2025-08-30. Review status: criteria provided, single submitter. Criteria: Ambry Variant Classification Scheme 2023. Collection method: clinical testing. Allele origin: germline.

Laboratorio de Genetica e Diagnostico Molecular, Hospital Israelita Albert Einstein
Classification: Uncertain significance for Hypotonia, infantile, with psychomotor retardation and characteristic facies 2. Last evaluated: 2024-03-15. Review status: criteria provided, single submitter. Criteria: ACMG Guidelines, 2015. Collection method: clinical testing. Allele origin: germline. Affected: yes.
Comment: ACMG classification criteria: PM2 supporting, PP2 supporting, BP4 supporting

NM_001371986.1(UNC80):c.5120G>A (p.Arg1707Lys)

Genes: UNC80 (unc-80 subunit of NALCN channel complex; plus strand), LOC126806490 (P300/CBP strongly-dependent group 1 enhancer GRCh37_chr2:210782411-210783610; plus strand). Cytogenetic location: 2q34.
Variant type: single nucleotide variant.
Coding change: c.5120G>A on transcript NM_001371986.1 (MANE Select); coding-DNA position 5120, G replaced by A.
Protein change: p.Arg1707Lys; replaces arginine 1707 with lysine.
Molecular consequence: missense variant.
Genome position (GRCh38, 1-based): chr2:209,917,867, G>A. VCF-style: chr2-209917867-G-A. GRCh37 (hg19) VCF-style: chr2-210782591-G-A.
Other names: c.4922G>A, p.Arg1641Lys (NM_032504.2); c.4907G>A, p.Arg1636Lys (NM_182587.4); c.4922G>A (NM_032504.1); short protein forms R1636K, R1641K, R1707K.
Identifiers: ClinVar variation 4076292 (VCV004076292.2).